The following is an entry in ClinVar:

NM_001077365.2(POMT1):c.2004-20C>T

Gene: POMT1 (protein O-mannosyltransferase 1; plus strand). Cytogenetic location: 9q34.13.
Variant type: single nucleotide variant.
Coding change: c.2004-20C>T on transcript NM_001077365.2 (MANE Select); 20 bases into the intron before coding-DNA position 2004, C replaced by T.
Molecular consequence: intron variant.
Genome position (GRCh38, 1-based): chr9:131,522,912, C>T. VCF-style: chr9-131522912-C-T. GRCh37 (hg19) VCF-style: chr9-134398299-C-T.
Other names: c.1908-20C>T (NM_001353198.2, NM_001353197.2); c.2070-20C>T (NM_001353193.2, NM_007171.4); c.2004-20C>T (NM_001136113.2); c.1842-20C>T (NM_001353194.2, NM_001077366.2); c.1653-20C>T (NM_001374691.1, NM_001353195.2, NM_001374692.1 and 2 more transcripts); c.1785-20C>T (NM_001374690.1); c.1914-20C>T (NM_001353196.2); c.1614-20C>T (NM_001374695.1); and 3 more.
Identifiers: ClinVar variation 260146 (VCV000260146.14), dbSNP rs372767898, ClinGen allele CA5293913.
Genomic context (GRCh38, chr9:131,522,912, plus strand): 5'-ACAGCAGATGCCAAGAGGGTGCCGGGCAGGGAAGCCGCAGTGGTCAGCCACCCTCCCCCA[C>T]GCTGCTCTGACCTCTGCAGGTCCCAGCTCCAGAGGAGCATCTTCAGCGCCCTGGTGGTGG-3'

ClinVar aggregate classification (germline): Benign/Likely benign. Review status: criteria provided, multiple submitters, no conflicts (2 of 4 stars). 4 submissions from 4 submitters: Benign (1); Likely benign (3). Last evaluated 2026-01-27.

Conditions:
Autosomal recessive limb-girdle muscular dystrophy type 2K. Also called: MUSCULAR DYSTROPHY-DYSTROGLYCANOPATHY (LIMB-GIRDLE), TYPE C, 1; MUSCULAR DYSTROPHY, LIMB-GIRDLE, TYPE 2K. Identifiers: Orphanet 86812, MedGen C1836373, MONDO:0012248, OMIM 609308.
Muscular dystrophy-dystroglycanopathy (congenital with impaired intellectual development), type B, 1. Also called: Muscular dystrophy-dystroglycanopathy (congenital with intellectual disability), type B1; MUSCULAR DYSTROPHY, CONGENITAL, POMT1-RELATED. Identifiers: MedGen C5436962, MONDO:0013159, OMIM 613155.
Walker-Warburg congenital muscular dystrophy. Also called: Muscular dystrophy-dystroglycanopathy, type A; Walker-Warburg syndrome. Identifiers: Orphanet 899, MedGen C0265221, MONDO:0000171.

Allele frequency attached by ClinVar (database versions not stated): 1000 Genomes Project 30x 0.00016; 1000 Genomes Project 0.00020; TOPMed 0.00033; ESP Exome Variant Server 0.00054; gnomAD 0.00061.
gnomAD v4.1: 557 of 1,570,170 alleles (0.035%); highest among the groups gnomAD compares: Middle Eastern, 0.77%; 4 homozygotes.

Submissions (4):

Labcorp Genetics (formerly Invitae), Labcorp
Classification: Benign for Muscular dystrophy-dystroglycanopathy (congenital with impaired intellectual development), type B, 1; Walker-Warburg congenital muscular dystrophy; Autosomal recessive limb-girdle muscular dystrophy type 2K. Last evaluated: 2026-01-27. Review status: criteria provided, single submitter. Criteria: Invitae Variant Classification Sherloc (09022015). Collection method: clinical testing. Allele origin: germline.

Blueprint Genetics
Classification: Likely benign. Last evaluated: 2024-11-13. Review status: criteria provided, single submitter. Criteria: ACMG Guidelines, 2015. Collection method: clinical testing. Allele origin: germline.

GeneDx
Classification: Likely benign. Last evaluated: 2018-01-09. Review status: criteria provided, single submitter. Criteria: GeneDx Variant Classification (06012015). Collection method: clinical testing. Allele origin: germline. Affected: yes.
Comment: This variant is considered likely benign or benign based on one or more of the following criteria: it is a conservative change, it occurs at a poorly conserved position in the protein, it is predicted to be benign by multiple in silico algorithms, and/or has population frequency not consistent with disease.

PreventionGenetics, part of Exact Sciences
Classification: Likely benign. Review status: criteria provided, single submitter. Criteria: ACMG Guidelines, 2015. Collection method: clinical testing. Allele origin: germline.